The following is an entry in ClinVar:

ClinVar aggregate classification (germline): Uncertain significance. Review status: criteria provided, multiple submitters, no conflicts (2 of 4 stars). 2 submissions from 2 submitters: Uncertain significance (2). Last evaluated 2021-11-30.

Conditions:
Vitamin D-dependent rickets type II with alopecia (VDDR2A). Also called: GENERALIZED RESISTANCE TO 1,25-DIHYDROXYVITAMIN D; HYPOCALCEMIC VITAMIN D-RESISTANT RICKETS; PDDR IIA; PSEUDOVITAMIN D-DEFICIENCY, TYPE IIA; RICKETS, HEREDITARY VITAMIN D-RESISTANT; RICKETS-ALOPECIA SYNDROME. Identifiers: Orphanet 93160, MedGen C0342646, MONDO:0010186, OMIM 277440.

Allele frequency attached by ClinVar (database versions not stated): gnomAD exomes 0.00001; gnomAD 0.00001; TOPMed 0.00001.
gnomAD v4.1: 14 of 1,613,846 alleles (0.00087%); highest among the groups gnomAD compares: Non-Finnish European, 0.0011%; no homozygotes.

Submissions (2):

Labcorp Genetics (formerly Invitae), Labcorp
Classification: Uncertain significance. Last evaluated: 2021-11-30. Review status: criteria provided, single submitter. Criteria: Invitae Variant Classification Sherloc (09022015). Collection method: clinical testing. Allele origin: germline.
Comment: This sequence change replaces arginine, which is basic and polar, with histidine, which is basic and polar, at codon 74 of the VDR protein (p.Arg74His). This variant is not present in population databases (gnomAD no frequency). This variant has not been reported in the literature in individuals affected with VDR-related conditions. ClinVar contains an entry for this variant (Variation ID: 880998). Algorithms developed to predict the effect of missense changes on protein structure and function are either unavailable or do not agree on the potential impact of this missense change (SIFT: "Deleterious"; PolyPhen-2: "Probably Damaging"; Align-GVGD: "Class C0"). In summary, the available evidence is currently insufficient to determine the role of this variant in disease. Therefore, it has been classified as a Variant of Uncertain Significance.

Illumina Laboratory Services, Illumina
Classification: Uncertain significance for Vitamin D-dependent rickets type II with alopecia. Last evaluated: 2018-01-12. Review status: criteria provided, single submitter. Criteria: ICSL Variant Classification Criteria 13 December 2019. Collection method: clinical testing. Allele origin: germline.

NM_000376.3(VDR):c.221G>A (p.Arg74His)

Gene: VDR (vitamin D receptor; minus strand). Cytogenetic location: 12q13.11.
Variant type: single nucleotide variant.
Coding change: c.221G>A on transcript NM_000376.3 (MANE Select); coding-DNA position 221, G replaced by A.
Protein change: p.Arg74His; replaces arginine 74 with histidine.
Molecular consequence: missense variant.
Genome position (GRCh38, 1-based): chr12:47,865,103, C>T on the plus strand (G>A on the coding strand, the complement: VDR is on the minus strand). VCF-style: chr12-47865103-C-T. GRCh37 (hg19) VCF-style: chr12-48258886-C-T.
Other names: c.221G>A, p.Arg74His (NM_001017535.2, NM_001364085.2, NM_001374661.1 and 1 more transcripts); c.371G>A, p.Arg124His (NM_001017536.2); short protein forms R124H, R74H.
Identifiers: ClinVar variation 880998 (VCV000880998.6), dbSNP rs1000899385, ClinGen allele CA236476902.